The following is an entry in ClinVar:

NM_006080.3(SEMA3A):c.1588G>T (p.Ala530Ser)

Gene: SEMA3A (semaphorin 3A; minus strand). Cytogenetic location: 7q21.11.
Variant type: single nucleotide variant.
Coding change: c.1588G>T on transcript NM_006080.3 (MANE Select); coding-DNA position 1588, G replaced by T.
Protein change: p.Ala530Ser; replaces alanine 530 with serine.
Molecular consequence: missense variant.
Genome position (GRCh38, 1-based): chr7:83,981,385, C>A on the plus strand (G>T on the coding strand, the complement: SEMA3A is on the minus strand). VCF-style: chr7-83981385-C-A. GRCh37 (hg19) VCF-style: chr7-83610701-C-A.
Other names: short protein forms A530S.
Identifiers: ClinVar variation 4990693 (VCV004990693.1).
Genomic context (GRCh38, chr7:83,981,385, plus strand): 5'-TTGCAGTGGGAAAATAGCGAGAACATGCAGAACCATCCCAAGCACAGTAAGGGTCTCGGG[C>A]GAGGCAACACTCAGCACACGCTTTCCCGTAAATATCACACCGGTGTAAAGGGAGCTGGGC-3'
Protein context (NP_006071.1, residues 520-540): YGKACAECCL[Ala530Ser]RDPYCAWDGS

ClinVar aggregate classification (germline): Uncertain significance (1 of 4 stars; one submission).

Conditions:
SEMA3A-related disorder. Also called: SEMA3A-related condition.

gnomAD v4.1: 25 of 1,613,724 alleles (0.0015%); highest among the groups gnomAD compares: Non-Finnish European, 0.002%; no homozygotes.

Submission:

PreventionGenetics, part of Exact Sciences
Classification: Uncertain significance for SEMA3A-related condition. Last evaluated: 2025-12-24. Review status: criteria provided, single submitter. Criteria: ACMG Guidelines, 2015. Collection method: clinical testing. Allele origin: germline.
Comment: The SEMA3A c.1588G>T variant is predicted to result in the amino acid substitution p.Ala530Ser. To our knowledge, this variant has not been reported in the literature. This variant is reported in 0.0016% of alleles in individuals of European (Non-Finnish) descent in gnomAD. At this time, the clinical significance of this variant is uncertain due to the absence of conclusive functional and genetic evidence.